The following is an entry in ClinVar:

ClinVar aggregate classification (germline): Uncertain significance. Review status: criteria provided, multiple submitters, no conflicts (2 of 4 stars). 2 submissions from 2 submitters: Uncertain significance (2). Last evaluated 2022-07-21.

Conditions:
Ataxia-telangiectasia-like disorder (ATLD). Identifiers: MedGen C1858391, MONDO:0011457.
Hereditary cancer-predisposing syndrome. Also called: Neoplastic Syndromes, Hereditary; Tumor predisposition; Hereditary neoplastic syndrome; Hereditary Cancer Syndrome. Identifiers: Orphanet 140162, MedGen C0027672, MeSH D009386, MONDO:0015356.

Allele frequency attached by ClinVar (database versions not stated): gnomAD exomes below 0.00001; gnomAD 0.00001; TOPMed 0.00001.
gnomAD v4.1: 2 of 1,490,428 alleles (0.00013%); highest among the groups gnomAD compares: African/African-American, 0.0014%; no homozygotes.

Submissions (2):

Ambry Genetics
Classification: Uncertain significance for Hereditary cancer-predisposing syndrome. Last evaluated: 2022-07-21. Review status: criteria provided, single submitter. Criteria: Ambry Variant Classification Scheme 2023. Collection method: clinical testing. Allele origin: germline.
Comment: The p.F13C variant (also known as c.38T>G), located in coding exon 2 of the MRE11A gene, results from a T to G substitution at nucleotide position 38. The phenylalanine at codon 13 is replaced by cysteine, an amino acid with highly dissimilar properties. This amino acid position is highly conserved in available vertebrate species. In addition, this alteration is predicted to be deleterious by in silico analysis. Since supporting evidence is limited at this time, the clinical significance of this alteration remains unclear.

Labcorp Genetics (formerly Invitae), Labcorp
Classification: Uncertain significance for Ataxia-telangiectasia-like disorder. Last evaluated: 2019-12-15. Review status: criteria provided, single submitter. Criteria: Invitae Variant Classification Sherloc (09022015). Collection method: clinical testing. Allele origin: germline.
Comment: In summary, the available evidence is currently insufficient to determine the role of this variant in disease. Therefore, it has been classified as a Variant of Uncertain Significance. Algorithms developed to predict the effect of missense changes on protein structure and function are either unavailable or do not agree on the potential impact of this missense change (SIFT: "Deleterious"; PolyPhen-2: "Probably Damaging"; Align-GVGD: "Class C0"). This variant has not been reported in the literature in individuals with MRE11-related conditions. This variant is not present in population databases (ExAC no frequency). This sequence change replaces phenylalanine with cysteine at codon 13 of the MRE11 protein (p.Phe13Cys). The phenylalanine residue is moderately conserved and there is a large physicochemical difference between phenylalanine and cysteine.

NM_005591.4(MRE11):c.38T>G (p.Phe13Cys)

Gene: MRE11 (MRE11 double strand break repair nuclease; minus strand). Cytogenetic location: 11q21.
Variant type: single nucleotide variant.
Coding change: c.38T>G on transcript NM_005591.4 (MANE Select); coding-DNA position 38, T replaced by G.
Protein change: p.Phe13Cys; replaces phenylalanine 13 with cysteine.
Molecular consequence: missense variant.
Genome position (GRCh38, 1-based): chr11:94,490,948, A>C on the plus strand (T>G on the coding strand, the complement: MRE11 is on the minus strand). VCF-style: chr11-94490948-A-C. GRCh37 (hg19) VCF-style: chr11-94224114-A-C.
Other names: c.38T>G, p.Phe13Cys (NM_001330347.2, NM_005590.4); short protein forms F13C.
Identifiers: ClinVar variation 824359 (VCV000824359.12), dbSNP rs1188101971, ClinGen allele CA382381096.